The following is an entry in ClinVar:

ClinVar aggregate classification (germline): Uncertain significance. Review status: criteria provided, multiple submitters, no conflicts (2 of 4 stars). 2 submissions from 2 submitters: Uncertain significance (2). Last evaluated 2022-12-22.

Conditions:
Kabuki syndrome 2 (KABUK2). Also called: KDM6A-Related Kabuki Syndrome. Identifiers: Orphanet 2322, MedGen C3275495, MONDO:0010465, OMIM 300867.

Allele frequency attached by ClinVar (database versions not stated): gnomAD exomes below 0.00001; gnomAD 0.00001.
gnomAD v4.1: 3 of 1,205,019 alleles (0.00025%); highest among the groups gnomAD compares: African/African-American, 0.0018%; no homozygotes.

Submissions (2):

Blueprint Genetics
Classification: Uncertain significance. Last evaluated: 2022-12-22. Review status: criteria provided, single submitter. Criteria: ACMG Guidelines, 2015. Collection method: clinical testing. Allele origin: germline.

Labcorp Genetics (formerly Invitae), Labcorp
Classification: Uncertain significance for Kabuki syndrome 2. Last evaluated: 2021-06-18. Review status: criteria provided, single submitter. Criteria: Invitae Variant Classification Sherloc (09022015). Collection method: clinical testing. Allele origin: germline.
Comment: This sequence change replaces glycine with tryptophan at codon 642 of the KDM6A protein (p.Gly642Trp). The glycine residue is highly conserved and there is a large physicochemical difference between glycine and tryptophan. In summary, the available evidence is currently insufficient to determine the role of this variant in disease. Therefore, it has been classified as a Variant of Uncertain Significance. Algorithms developed to predict the effect of sequence changes on RNA splicing suggest that this variant may disrupt the consensus splice site, but this prediction has not been confirmed by published transcriptional studies. Algorithms developed to predict the effect of missense changes on protein structure and function are either unavailable or do not agree on the potential impact of this missense change (SIFT: "Deleterious"; PolyPhen-2: "Probably Damaging"; Align-GVGD: "Class C15"). This variant has not been reported in the literature in individuals with KDM6A-related conditions. This variant is not present in population databases (ExAC no frequency).

NM_001291415.2(KDM6A):c.2080G>T (p.Gly694Trp)

Gene: KDM6A (lysine demethylase 6A; plus strand). Cytogenetic location: Xp11.3.
Variant type: single nucleotide variant.
Coding change: c.2080G>T on transcript NM_001291415.2 (MANE Select); coding-DNA position 2080, G replaced by T.
Protein change: p.Gly694Trp; replaces glycine 694 with tryptophan.
Molecular consequence: missense variant. On other transcripts: non-coding transcript variant (1).
Genome position (GRCh38, 1-based): chrX:45,069,579, G>T. VCF-style: chrX-45069579-G-T. GRCh37 (hg19) VCF-style: chrX-44928824-G-T.
Other names: c.1945G>T, p.Gly649Trp (NM_001291416.2); c.1789G>T, p.Gly597Trp (NM_001291417.2); c.1687G>T, p.Gly563Trp (NM_001291418.2); c.1036G>T, p.Gly346Trp (NM_001291421.2); c.1924G>T, p.Gly642Trp (NM_021140.4); short protein forms G563W, G694W, G346W, G597W, G642W, G649W.
Identifiers: ClinVar variation 1396978 (VCV001396978.9), dbSNP rs2044718414, ClinGen allele CA412791860.